The following is an entry in ClinVar:

ClinVar aggregate classification (germline): Pathogenic/Likely pathogenic. Review status: criteria provided, multiple submitters, no conflicts (2 of 4 stars). 2 submissions from 2 submitters: Pathogenic (1); Likely pathogenic (1). Last evaluated 2025-08-29.

Conditions:
VPS13B-related disorder. Also called: VPS13B-related condition.
Cohen syndrome (COH1). Also called: Cutis verticis gyrata, retinitis pigmentosa, and sensorineural deafness; PEPPER SYNDROME. Identifiers: Orphanet 193, MedGen C0265223, MONDO:0008999, OMIM 216550.

Submissions (2):

PreventionGenetics, part of Exact Sciences
Classification: Likely pathogenic for VPS13B-related condition. Last evaluated: 2025-08-29. Review status: criteria provided, single submitter. Criteria: ACMG Guidelines, 2015. Collection method: clinical testing. Allele origin: germline.
Comment: The VPS13B c.2640dupC variant is predicted to result in a frameshift and premature protein termination (p.Lys881Glnfs*5). To our knowledge, this variant has not been reported in the literature or in a large population database (gnomAD), indicating this variant is rare. This variant is interpreted as likely pathogenic.

Labcorp Genetics (formerly Invitae), Labcorp
Classification: Pathogenic for Cohen syndrome. Last evaluated: 2024-05-13. Review status: criteria provided, single submitter. Criteria: Invitae Variant Classification Sherloc (09022015). Collection method: clinical testing. Allele origin: germline.
Comment: This sequence change creates a premature translational stop signal (p.Lys881Glnfs*5) in the VPS13B gene. It is expected to result in an absent or disrupted protein product. Loss-of-function variants in VPS13B are known to be pathogenic (PMID: 15141358, 16648375, 20461111). This variant is not present in population databases (gnomAD no frequency). This variant has not been reported in the literature in individuals affected with VPS13B-related conditions. For these reasons, this variant has been classified as Pathogenic.

Literature cited by the submitters: PubMed 15141358 (cited by Labcorp Genetics (formerly Invitae), Labcorp); PubMed 16648375 (cited by Labcorp Genetics (formerly Invitae), Labcorp); PubMed 20461111 (cited by Labcorp Genetics (formerly Invitae), Labcorp).

NM_152564.5(VPS13B):c.2640dup (p.Lys881fs)

Gene: VPS13B (vacuolar protein sorting 13 homolog B; plus strand). Cytogenetic location: 8q22.2.
Variant type: Duplication.
Coding change: c.2640dup on transcript NM_152564.5 (MANE Select); coding-DNA position 2640, one base duplicated (C; older notation c.2640dupC).
Protein change: p.Lys881fs; shifts the reading frame from lysine 881.
Molecular consequence: frameshift variant.
Genome position (GRCh38, 1-based): chr8:99,274,322, C duplicated; the last of 2 consecutive C bases (chr8:99,274,321-99,274,322); duplicating either gives the same sequence. VCF-style (leftmost placement, unchanged base first): chr8-99274320-G-GC. GRCh37 (hg19) VCF-style: chr8-100286548-G-GC.
Other names: c.2640dup, p.Lys881fs (NM_017890.5); c.2640dupC (NM_152564.4); short protein forms K881fs.
Identifiers: ClinVar variation 3653234 (VCV003653234.3).